The following is an entry in ClinVar:

NM_001903.5(CTNNA1):c.1911G>A (p.Glu637=)

Gene: CTNNA1 (catenin alpha 1; plus strand). Cytogenetic location: 5q31.2.
Variant type: single nucleotide variant.
Coding change: c.1911G>A on transcript NM_001903.5 (MANE Select); coding-DNA position 1911, G replaced by A.
Protein change: p.Glu637=; no amino-acid change (glutamic acid 637 retained).
Molecular consequence: synonymous variant.
Genome position (GRCh38, 1-based): chr5:138,929,257, G>A. VCF-style: chr5-138929257-G-A. GRCh37 (hg19) VCF-style: chr5-138264946-G-A.
Other names: c.1911G>A, p.Glu637= (NM_001290307.3, NM_001323982.2, NM_001323983.1 and 2 more transcripts); c.1602G>A, p.Glu534= (NM_001290309.3); c.1542G>A, p.Glu514= (NM_001290310.3); c.801G>A, p.Glu267= (NM_001290312.1, NM_001323987.1, NM_001323988.1 and 17 more transcripts); c.1818G>A, p.Glu606= (NM_001323986.2); c.462G>A, p.Glu154= (NM_001324006.1, NM_001324007.1, NM_001324008.1 and 2 more transcripts); c.708G>A, p.Glu236= (NM_001324011.1); c.558G>A, p.Glu186= (NM_001324012.1, NM_001324013.1).
Identifiers: ClinVar variation 761103 (VCV000761103.14), dbSNP rs768709854, ClinGen allele CA3432071.
Genomic context (GRCh38, chr5:138,929,257, plus strand): 5'-CTGGTGGCCCAGAGATGTGTCTGACCTGTGATCTTTGTCTGGGTGGCAGACCCCTGAGGA[G>A]TTGGATGACTCTGACTTTGAGACAGAAGATTTTGATGTCAGAAGCAGGACGAGCGTCCAG-3'
Protein context (NP_001894.2, residues 627-647): KAVLMIRTPE[Glu637=]LDDSDFETED

ClinVar aggregate classification (germline): Benign/Likely benign. Review status: criteria provided, multiple submitters, no conflicts (2 of 4 stars). 3 submissions from 3 submitters: Benign (1); Likely benign (2). Last evaluated 2026-01-16.

Conditions:
Hereditary cancer-predisposing syndrome. Also called: Tumor predisposition; Hereditary Cancer Syndrome; Neoplastic Syndromes, Hereditary; Hereditary neoplastic syndrome. Identifiers: Orphanet 140162, MedGen C0027672, MeSH D009386, MONDO:0015356.
Hereditary diffuse gastric adenocarcinoma (HDGC). Also called: DIFFUSE GASTRIC AND LOBULAR BREAST CANCER SYNDROME. Identifiers: Orphanet 26106, MedGen C1708349, MONDO:0007648, OMIM 137215.

Allele frequency attached by ClinVar (database versions not stated): gnomAD exomes below 0.00001 and 0.00001; ExAC 0.00002; TOPMed 0.00002; gnomAD 0.00003.
gnomAD v4.1: 8 of 1,593,528 alleles (0.0005%); highest among the groups gnomAD compares: African/African-American, 0.0094%; no homozygotes.

Submissions (3):

Labcorp Genetics (formerly Invitae), Labcorp
Classification: Likely benign. Last evaluated: 2026-01-16. Review status: criteria provided, single submitter. Criteria: Invitae Variant Classification Sherloc (09022015). Collection method: clinical testing. Allele origin: germline.

Myriad Genetics, Inc.
Classification: Benign for Hereditary diffuse gastric adenocarcinoma. Last evaluated: 2024-10-14. Review status: criteria provided, single submitter. Criteria: Myriad Autosomal Dominant, Autosomal Recessive and X-Linked Classification Criteria (2023). Collection method: clinical testing. Allele origin: unknown.
Comment: This variant is considered benign. This variant is a silent/synonymous amino acid change and it is not expected to impact splicing.

Ambry Genetics
Classification: Likely benign for Hereditary cancer-predisposing syndrome. Last evaluated: 2019-12-05. Review status: criteria provided, single submitter. Criteria: Ambry Variant Classification Scheme 2023. Collection method: clinical testing. Allele origin: germline.